The following is an entry in ClinVar:

NM_003647.3(DGKE):c.889-1G>A

Gene: DGKE (diacylglycerol kinase epsilon; plus strand). Cytogenetic location: 17q22.
Variant type: single nucleotide variant.
Coding change: c.889-1G>A on transcript NM_003647.3 (MANE Select); the canonical splice acceptor site of the intron before coding-DNA position 889, G replaced by A.
Molecular consequence: splice acceptor variant.
Genome position (GRCh38, 1-based): chr17:56,848,695, G>A. VCF-style: chr17-56848695-G-A. GRCh37 (hg19) VCF-style: chr17-54926056-G-A.
Identifiers: ClinVar variation 135640 (VCV000135640.6), dbSNP rs312262696, ClinGen allele CA332174.

ClinVar aggregate classification (germline): Pathogenic. Review status: criteria provided, multiple submitters, no conflicts (2 of 4 stars). 3 submissions from 3 submitters: Pathogenic (2). 1 of the submissions does not count toward it. Last evaluated 2025-09-26.

Conditions:
Immunoglobulin-mediated membranoproliferative glomerulonephritis. Also called: NEPHROTIC SYNDROME, TYPE 7, WITH MEMBRANOPROLIFERATIVE GLOMERULONEPHRITIS; Nephrotic syndrome, type 7. Identifiers: Orphanet 329903, MedGen C3554330, MONDO:0014005, OMIM 615008.
Atypical hemolytic-uremic syndrome. Identifiers: Orphanet 2134, MedGen C2931788, MONDO:0016244.

Allele frequency attached by ClinVar (database versions not stated): gnomAD exomes below 0.00001.
gnomAD v4.1: 1 of 1,613,326 alleles (0.000062%); highest among the groups gnomAD compares: Non-Finnish European, 0.000085%; no homozygotes.

Submissions (3):

Genomenon, Inc
Classification: Pathogenic for Atypical hemolytic-uremic syndrome. Last evaluated: 2025-09-26. Review status: criteria provided, single submitter. Criteria: Genomenon Sequence Variant Interpretation Standards - Updated. Collection method: curation. Allele origin: germline. Affected: yes.
Comment: DGKE c.889-1G>A is a splice variant located in the acceptor splice region of intron 5. This variant has been observed in at least one proband affected with atypical hemolytic-uremic syndrome (PMID:23542698;29500241). It is absent or not present at a significant frequency in gnomAD. In conclusion, we classify DGKE c.889-1G>A as a pathogenic variant.

Institute of Human Genetics Munich, TUM University Hospital
Classification: Pathogenic for Immunoglobulin-mediated membranoproliferative glomerulonephritis. Last evaluated: 2019-06-07. Review status: criteria provided, single submitter. Criteria: Classification criteria August 2017. Collection method: clinical testing. Allele origin: inherited. Inheritance: Autosomal recessive inheritance. Affected: yes. Observed: 2 homozygotes.

Richard Lifton Laboratory, Yale University School of Medicine
Classification: Likely pathogenic for Atypical hemolytic uremic syndrome. Review status: no assertion criteria provided. Collection method: not provided. Allele origin: germline. Not counted in ClinVar's aggregate classification.
Comment: Autosomal recessive variant
ClinVar note: Converted during submission from probable-pathogenic to Likely pathogenic.

Literature cited by the submitters: PubMed 23542698 (cited by Genomenon, Inc); PubMed 29500241 (cited by Genomenon, Inc); PubMed 24747643 (cited by Richard Lifton Laboratory, Yale University School of Medicine).